The following is an entry in ClinVar:

NM_207506.3(SAMD12):c.587A>C (p.Glu196Ala)

Gene: SAMD12 (sterile alpha motif domain containing 12; minus strand). Cytogenetic location: 8q24.12.
Variant type: single nucleotide variant.
Coding change: c.587A>C on transcript NM_207506.3 (MANE Select); coding-DNA position 587, A replaced by C.
Protein change: p.Glu196Ala; replaces glutamic acid 196 with alanine.
Molecular consequence: missense variant. On other transcripts: intron variant (3).
Genome position (GRCh38, 1-based): chr8:118,379,436, T>G on the plus strand (A>C on the coding strand, the complement: SAMD12 is on the minus strand). VCF-style: chr8-118379436-T-G. GRCh37 (hg19) VCF-style: chr8-119391675-T-G.
Other names: c.433+124A>C (NM_001349811.2); c.463+124A>C (NM_001101676.2, NM_001363274.2); short protein forms E196A.
Identifiers: ClinVar variation 4085214 (VCV004085214.8).

ClinVar aggregate classification (germline): Likely benign (1 of 4 stars; one submission).

gnomAD v4.1: 13 of 1,613,448 alleles (0.00081%); highest among the groups gnomAD compares: Non-Finnish European, 0.001%; no homozygotes.

Submission:

CeGaT Center for Human Genetics Tuebingen
Classification: Likely benign. Last evaluated: 2025-06-01. Review status: criteria provided, single submitter. Criteria: CeGaT Center For Human Genetics Tuebingen Variant Classification Criteria Version 2. Collection method: clinical testing. Allele origin: germline. Affected: yes. Observed: 1 variant allele.
Comment: SAMD12: BP4